The following is an entry in ClinVar:

ClinVar aggregate classification (germline): Likely benign. Review status: criteria provided, multiple submitters, no conflicts (2 of 4 stars). 3 submissions from 3 submitters: Likely benign (3). Last evaluated 2025-03-04.

Conditions:
Hereditary cancer-predisposing syndrome. Also called: Hereditary neoplastic syndrome; Hereditary Cancer Syndrome; Tumor predisposition; Neoplastic Syndromes, Hereditary. Identifiers: Orphanet 140162, MedGen C0027672, MeSH D009386, MONDO:0015356.
Retinoblastoma (RB1). Also called: RETINOBLASTOMA, SOMATIC. Identifiers: Orphanet 790, MedGen C0035335, MeSH D012175, MONDO:0008380, OMIM 180200, HP:0009919. Disease mechanism: loss of function. Inheritance: Both sporadic and heritable forms are tested..

Allele frequency attached by ClinVar (database versions not stated): gnomAD exomes 0.00001.

Submissions (3):

Labcorp Genetics (formerly Invitae), Labcorp
Classification: Likely benign for Retinoblastoma. Last evaluated: 2025-03-04. Review status: criteria provided, single submitter. Criteria: Invitae Variant Classification Sherloc (09022015). Collection method: clinical testing. Allele origin: germline.

All of Us Research Program, National Institutes of Health
Classification: Likely benign for Retinoblastoma. Last evaluated: 2023-04-27. Review status: criteria provided, single submitter. Criteria: ACMG Guidelines, 2015. Collection method: clinical testing. Allele origin: germline. Inheritance: Autosomal dominant inheritance. Observed: 2 variant alleles, 2 heterozygotes.
Comment: This study involves interpretation of variants in research participants for the purpose of population health screening. Participant phenotype was not available at the time of variant classification. Additional details can be found in publication PMID: 35346344, PMCID: PMC8962531

Ambry Genetics
Classification: Likely benign for Hereditary cancer-predisposing syndrome. Last evaluated: 2023-02-17. Review status: criteria provided, single submitter. Criteria: Ambry Variant Classification Scheme 2023. Collection method: clinical testing. Allele origin: germline.

NM_000321.3(RB1):c.1542C>T (p.Phe514=)

Gene: RB1 (RB transcriptional corepressor 1; plus strand). Cytogenetic location: 13q14.2.
Variant type: single nucleotide variant.
Coding change: c.1542C>T on transcript NM_000321.3 (MANE Select); coding-DNA position 1542, C replaced by T.
Protein change: p.Phe514=; no amino-acid change (phenylalanine 514 retained).
Molecular consequence: synonymous variant.
Genome position (GRCh38, 1-based): chr13:48,381,290, C>T. VCF-style: chr13-48381290-C-T. GRCh37 (hg19) VCF-style: chr13-48955426-C-T.
Other names: c.1542C>T (NM_000321.2).
Identifiers: ClinVar variation 1128229 (VCV001128229.11), dbSNP rs1436921535, ClinGen allele CA483559430.